The following is an entry in ClinVar:

NM_153240.5(NPHP3):c.3785A>G (p.Glu1262Gly)

Genes: NPHP3-ACAD11 (NPHP3-ACAD11 readthrough (NMD candidate); minus strand), NPHP3 (nephrocystin 3; minus strand). Cytogenetic location: 3q22.1.
Variant type: single nucleotide variant.
Coding change: c.3785A>G on transcript NM_153240.5 (MANE Select); coding-DNA position 3785, A replaced by G.
Protein change: p.Glu1262Gly; replaces glutamic acid 1262 with glycine.
Molecular consequence: missense variant. On other transcripts: non-coding transcript variant (1).
Genome position (GRCh38, 1-based): chr3:132,682,730, T>C on the plus strand (A>G on the coding strand, the complement: NPHP3 is on the minus strand). VCF-style: chr3-132682730-T-C. GRCh37 (hg19) VCF-style: chr3-132401574-T-C.
Other names: short protein forms E1262G.
Identifiers: ClinVar variation 1062682 (VCV001062682.6), dbSNP rs1489156590, ClinGen allele CA354578230.
Genomic context (GRCh38, chr3:132,682,730, plus strand): 5'-AGGCTGTATAAGGAAAGTGAAAAAAATTCTTACCTAAGCACAGCTAAATTTTTCAGTGTT[T>C]CTCCAACTCGAGGATGCATCCGACCCAGGCTATCTTCATAAATCTTTAATGCTCTTTCAT-3'
Protein context (NP_694972.3, residues 1252-1272): SLGRMHPRVG[Glu1262Gly]TLKNLAVLSY

ClinVar aggregate classification (germline): Uncertain significance (1 of 4 stars; one submission).

Conditions:
Nephronophthisis. Also called: Juvenile Nephronophthisis. Identifiers: Orphanet 655, MedGen C0687120, MONDO:0019005, HP:0000090.

Allele frequency attached by ClinVar (database versions not stated): gnomAD exomes below 0.00001; TOPMed below 0.00001.
gnomAD v4.1: 3 of 1,612,376 alleles (0.00019%); highest among the groups gnomAD compares: Admixed American, 0.0017%; no homozygotes.

Submission:

Labcorp Genetics (formerly Invitae), Labcorp
Classification: Uncertain significance for Nephronophthisis. Last evaluated: 2022-08-15. Review status: criteria provided, single submitter. Criteria: Invitae Variant Classification Sherloc (09022015). Collection method: clinical testing. Allele origin: germline.
Comment: This sequence change replaces glutamic acid, which is acidic and polar, with glycine, which is neutral and non-polar, at codon 1262 of the NPHP3 protein (p.Glu1262Gly). This variant is present in population databases (no rsID available, gnomAD 0.003%). This variant has not been reported in the literature in individuals affected with NPHP3-related conditions. ClinVar contains an entry for this variant (Variation ID: 1062682). Algorithms developed to predict the effect of missense changes on protein structure and function are either unavailable or do not agree on the potential impact of this missense change (SIFT: "Deleterious"; PolyPhen-2: "Probably Damaging"; Align-GVGD: "Class C0"). In summary, the available evidence is currently insufficient to determine the role of this variant in disease. Therefore, it has been classified as a Variant of Uncertain Significance.